The following is an entry in ClinVar:

NM_148919.4(PSMB8):c.229G>A (p.Ala77Thr)

Gene: PSMB8 (proteasome 20S subunit beta 8; minus strand). Cytogenetic location: 6p21.32.
Variant type: single nucleotide variant.
Coding change: c.229G>A on transcript NM_148919.4 (MANE Select); coding-DNA position 229, G replaced by A.
Protein change: p.Ala77Thr; replaces alanine 77 with threonine.
Molecular consequence: missense variant.
Genome position (GRCh38, 1-based): chr6:32,843,008, C>T on the plus strand (G>A on the coding strand, the complement: PSMB8 is on the minus strand). VCF-style: chr6-32843008-C-T. GRCh37 (hg19) VCF-style: chr6-32810785-C-T.
Other names: c.217G>A, p.Ala73Thr (LRG_1328t2, NM_004159.5); c.229G>A, p.Ala77Thr (LRG_1328t1); short protein forms A73T, A77T.
Identifiers: ClinVar variation 583398 (VCV000583398.9), dbSNP rs774341327, ClinGen allele CA3746457.

ClinVar aggregate classification (germline): Uncertain significance. Review status: criteria provided, multiple submitters, no conflicts (2 of 4 stars). 2 submissions from 2 submitters: Uncertain significance (2). Last evaluated 2021-09-01.

Conditions:
Autoinflammatory syndrome. Identifiers: Orphanet 93665, MedGen C3890737, MONDO:0019751.
Proteasome-associated autoinflammatory syndrome 1 (PRAAS1). Also called: AUTOINFLAMMATION, LIPODYSTROPHY, AND DERMATOSIS SYNDROME; NAKAJO-NISHIMURA SYNDROME; CHRONIC ATYPICAL NEUTROPHILIC DERMATOSIS WITH LIPODYSTROPHY AND ELEVATED TEMPERATURE SYNDROME; Nakajo syndrome; JOINT CONTRACTURES, MUSCULAR ATROPHY, MICROCYTIC ANEMIA, AND PANNICULITIS-INDUCED LIPODYSTROPHY; JMP SYNDROME. Identifiers: Orphanet 2615, Orphanet 324977, Orphanet 324999, Orphanet 325004, MedGen C4746851, MONDO:0054698, OMIM 256040.

Allele frequency attached by ClinVar (database versions not stated): ExAC 0.00001; gnomAD 0.00003 and 0.00004; gnomAD exomes 0.00003 and 0.00006; TOPMed 0.00005.

Submissions (2):

Labcorp Genetics (formerly Invitae), Labcorp
Classification: Uncertain significance for Proteosome-associated autoinflammatory syndrome. Last evaluated: 2021-09-01. Review status: criteria provided, single submitter. Criteria: Invitae Variant Classification Sherloc (09022015). Collection method: clinical testing. Allele origin: germline.
Comment: This sequence change replaces alanine with threonine at codon 77 of the PSMB8 protein (p.Ala77Thr). The alanine residue is highly conserved and there is a small physicochemical difference between alanine and threonine. This variant is present in population databases (rs774341327, ExAC 0.002%). This variant has not been reported in the literature in individuals affected with PSMB8-related conditions. Algorithms developed to predict the effect of missense changes on protein structure and function are either unavailable or do not agree on the potential impact of this missense change (SIFT: "Deleterious"; PolyPhen-2: "Probably Damaging"; Align-GVGD: "Class C0"). In summary, the available evidence is currently insufficient to determine the role of this variant in disease. Therefore, it has been classified as a Variant of Uncertain Significance.

Genome Diagnostics Laboratory, The Hospital for Sick Children
Classification: Uncertain significance for Autoinflammatory syndrome. Last evaluated: 2020-03-01. Review status: criteria provided, single submitter. Criteria: ACMG Guidelines, 2015. Collection method: clinical testing. Allele origin: germline. Affected: yes.